The following is an entry in ClinVar:

ClinVar aggregate classification (germline): Uncertain significance. Review status: criteria provided, multiple submitters, no conflicts (2 of 4 stars). 3 submissions from 3 submitters: Uncertain significance (3). Last evaluated 2026-04-09.

Conditions:
Inborn genetic diseases. Identifiers: MedGen C0950123, MeSH D030342.
Nephronophthisis. Also called: Juvenile Nephronophthisis. Identifiers: Orphanet 655, MedGen C0687120, MONDO:0019005, HP:0000090.
Jeune thoracic dystrophy. Also called: Short-rib thoracic dysplasia; Jeune syndrome; Infantile thoracic dystrophy; Thoracic pelvic phalangeal dystrophy; Jeune's syndrome; Chondroectodermal dysplasia-like syndrome. Identifiers: Orphanet 474, MedGen C0265275, MONDO:0018770.
TTC21B-related disorder. Also called: TTC21B-related condition; TTC21B-related disorders.

Allele frequency attached by ClinVar (database versions not stated): ExAC 0.00001; gnomAD 0.00001; gnomAD exomes 0.00002 and 0.00003; TOPMed 0.00002; ESP Exome Variant Server 0.00008.
gnomAD v4.1: 49 of 1,614,050 alleles (0.003%); highest among the groups gnomAD compares: Non-Finnish European, 0.0042%; no homozygotes.

Submissions (3):

PreventionGenetics, part of Exact Sciences
Classification: Uncertain significance for TTC21B-related condition. Last evaluated: 2026-04-09. Review status: criteria provided, single submitter. Criteria: ACMG Guidelines, 2015. Collection method: clinical testing. Allele origin: germline.
Comment: The TTC21B c.1793T>C variant is predicted to result in the amino acid substitution p.Ile598Thr. To our knowledge, this variant has not been reported in the literature. This variant is reported in 0.0044% of alleles in individuals of European (Non-Finnish) descent in gnomAD. At this time, the clinical significance of this variant is uncertain due to the absence of conclusive functional and genetic evidence.

Ambry Genetics
Classification: Uncertain significance for Inborn genetic diseases. Last evaluated: 2024-12-14. Review status: criteria provided, single submitter. Criteria: Ambry Variant Classification Scheme 2023. Collection method: clinical testing. Allele origin: germline.

Labcorp Genetics (formerly Invitae), Labcorp
Classification: Uncertain significance for Jeune thoracic dystrophy; Nephronophthisis. Last evaluated: 2021-05-05. Review status: criteria provided, single submitter. Criteria: Invitae Variant Classification Sherloc (09022015). Collection method: clinical testing. Allele origin: germline.
Comment: This variant has not been reported in the literature in individuals with TTC21B-related conditions. This sequence change replaces isoleucine with threonine at codon 598 of the TTC21B protein (p.Ile598Thr). The isoleucine residue is weakly conserved and there is a moderate physicochemical difference between isoleucine and threonine. This variant is present in population databases (rs143612688, ExAC 0.001%). Algorithms developed to predict the effect of missense changes on protein structure and function output the following: SIFT: "Tolerated"; PolyPhen-2: "Benign"; Align-GVGD: "Class C0". The threonine amino acid residue is found in multiple mammalian species, suggesting that this missense change does not adversely affect protein function. These predictions have not been confirmed by published functional studies and their clinical significance is uncertain. In summary, the available evidence is currently insufficient to determine the role of this variant in disease. Therefore, it has been classified as a Variant of Uncertain Significance.

NM_024753.5(TTC21B):c.1793T>C (p.Ile598Thr)

Gene: TTC21B (tetratricopeptide repeat domain 21B; minus strand). Cytogenetic location: 2q24.3.
Variant type: single nucleotide variant.
Coding change: c.1793T>C on transcript NM_024753.5 (MANE Select); coding-DNA position 1793, T replaced by C.
Protein change: p.Ile598Thr; replaces isoleucine 598 with threonine.
Molecular consequence: missense variant.
Genome position (GRCh38, 1-based): chr2:165,917,363, A>G on the plus strand (T>C on the coding strand, the complement: TTC21B is on the minus strand). VCF-style: chr2-165917363-A-G. GRCh37 (hg19) VCF-style: chr2-166773873-A-G.
Other names: c.1793T>C (NM_024753.3); short protein forms I598T.
Identifiers: ClinVar variation 641732 (VCV000641732.9), dbSNP rs143612688, ClinGen allele CA1942016.
Genomic context (GRCh38, chr2:165,917,363, plus strand): 5'-GATAAACGATGGCTTGTATCAACTTCAGTTTTTCTGTCTTTTGATTTTGTGGAAGCTCCA[A>G]TTCTTTTCATTCCTGGTAAACTCATTGCCATATGCAGTGTTTTAATTGCGTCTGCTATTT-3'
Protein context (NP_079029.3, residues 588-608): MAMSLPGMKR[Ile598Thr]GASTKSKDRK